The following is an entry in ClinVar:

ClinVar aggregate classification (germline): Uncertain significance. Review status: criteria provided, single submitter (1 of 4 stars). 3 submissions from 2 submitters: Uncertain significance (2). 1 of the submissions does not count toward it. Last evaluated 2018-01-13.

Conditions:
CHRNG-related disorder. Also called: CHRNG-related condition; CHRNG-related disorders.
Autosomal recessive multiple pterygium syndrome. Also called: MULTIPLE PTERYGIUM SYNDROME, ESCOBAR VARIANT; PTERYGIUM COLLI SYNDROME; PTERYGIUM SYNDROME; PTERYGIUM UNIVERSALE. Identifiers: Orphanet 2990, MedGen C0265261, MONDO:0009926, OMIM 265000.
Lethal multiple pterygium syndrome (LMPS). Identifiers: Orphanet 33108, MedGen C1854678, MONDO:0009668, OMIM 253290.

Allele frequency attached by ClinVar (database versions not stated): gnomAD 0.00003; TOPMed 0.00003.

Submissions (3):

Illumina Laboratory Services, Illumina
Classification: Uncertain significance for Lethal multiple pterygium syndrome. Last evaluated: 2018-01-13. Review status: criteria provided, single submitter. Criteria: ICSL Variant Classification Criteria 13 December 2019. Collection method: clinical testing. Allele origin: germline.

Illumina Laboratory Services, Illumina
Classification: Uncertain significance for Autosomal recessive multiple pterygium syndrome. Last evaluated: 2018-01-13. Review status: criteria provided, single submitter. Criteria: ICSL Variant Classification Criteria 13 December 2019. Collection method: clinical testing. Allele origin: germline.

PreventionGenetics, part of Exact Sciences
Classification: Likely benign for CHRNG-related condition. Last evaluated: 2019-06-28. Review status: no assertion criteria provided. Collection method: clinical testing. Allele origin: germline. Not counted in ClinVar's aggregate classification.
Comment: This variant is classified as likely benign based on ACMG/AMP sequence variant interpretation guidelines (Richards et al. 2015 PMID: 25741868, with internal and published modifications).

NM_005199.5(CHRNG):c.*7C>T

Genes: CHRNG (cholinergic receptor nicotinic gamma subunit; plus strand), TIGD1 (tigger transposable element derived 1; minus strand). Cytogenetic location: 2q37.1.
Variant type: single nucleotide variant.
Coding change: c.*7C>T on transcript NM_005199.5 (MANE Select); 7 bases downstream of the stop codon, C replaced by T.
Molecular consequence: 3 prime UTR variant.
Genome position (GRCh38, 1-based): chr2:232,545,723, C>T. VCF-style: chr2-232545723-C-T. GRCh37 (hg19) VCF-style: chr2-233410433-C-T.
Other names: c.*2384G>A (NM_145702.4).
Identifiers: ClinVar variation 898085 (VCV000898085.6), dbSNP rs1034629827, ClinGen allele CA66971984.